The following is an entry in ClinVar:

ClinVar aggregate classification (germline): Uncertain significance (0 of 4 stars; one submission).

Conditions:
TWIST1-related disorder.

Submission:

PreventionGenetics, part of Exact Sciences
Classification: Uncertain significance for TWIST1-related condition. Last evaluated: 2024-01-24. Review status: no assertion criteria provided. Collection method: clinical testing. Allele origin: germline.
Comment: The TWIST1 c.274G>T variant is predicted to result in the amino acid substitution p.Gly92Cys. To our knowledge, this variant has not been reported in the literature or in a large population database, indicating this variant is rare. At this time, the clinical significance of this variant is uncertain due to the absence of conclusive functional and genetic evidence.

NM_000474.4(TWIST1):c.274G>T (p.Gly92Cys)

Gene: TWIST1 (twist family bHLH transcription factor 1; minus strand). Cytogenetic location: 7p21.1.
Variant type: single nucleotide variant.
Coding change: c.274G>T on transcript NM_000474.4 (MANE Select); coding-DNA position 274, G replaced by T.
Protein change: p.Gly92Cys; replaces glycine 92 with cysteine.
Molecular consequence: missense variant. On other transcripts: non-coding transcript variant (1).
Genome position (GRCh38, 1-based): chr7:19,117,048, C>A on the plus strand (G>T on the coding strand, the complement: TWIST1 is on the minus strand). VCF-style: chr7-19117048-C-A. GRCh37 (hg19) VCF-style: chr7-19156671-C-A.
Other names: short protein forms G92C.
Identifiers: ClinVar variation 3030891 (VCV003030891.2), dbSNP rs948098172, ClinGen allele CA367015783.